The following is an entry in ClinVar:

NM_015909.4(NBAS):c.2611A>T (p.Met871Leu)

Gene: NBAS (NBAS subunit of NRZ tethering complex; minus strand). Cytogenetic location: 2p24.3.
Variant type: single nucleotide variant.
Coding change: c.2611A>T on transcript NM_015909.4 (MANE Select); coding-DNA position 2611, A replaced by T.
Protein change: p.Met871Leu; replaces methionine 871 with leucine.
Molecular consequence: missense variant. On other transcripts: non-coding transcript variant (1).
Genome position (GRCh38, 1-based): chr2:15,417,679, T>A on the plus strand (A>T on the coding strand, the complement: NBAS is on the minus strand). VCF-style: chr2-15417679-T-A. GRCh37 (hg19) VCF-style: chr2-15557803-T-A.
Other names: short protein forms M871L.
Identifiers: ClinVar variation 1510124 (VCV001510124.6), dbSNP rs1677012266, ClinGen allele CA345887110.
Genomic context (GRCh38, chr2:15,417,679, plus strand): 5'-ATGTTTCCAGAGTAACCAAATTGTCACAGAGAACCAGCAAACCAGGAATATTCCGCTCCA[T>A]CCCAAGTCGAATAAGTGACAATGCACAGTCCACCTAAAATTGAAAAGCAACAATAAGTTC-3'
Protein context (NP_056993.2, residues 861-881): DCALSLIRLG[Met871Leu]ERNIPGLLVL

ClinVar aggregate classification (germline): Uncertain significance (1 of 4 stars; one submission).

Allele frequency attached by ClinVar (database versions not stated): TOPMed below 0.00001.
gnomAD v4.1: 1 of 1,613,918 alleles (0.000062%); highest among the groups gnomAD compares: Admixed American, 0.0017%; no homozygotes.

Submission:

Labcorp Genetics (formerly Invitae), Labcorp
Classification: Uncertain significance. Last evaluated: 2022-02-02. Review status: criteria provided, single submitter. Criteria: Invitae Variant Classification Sherloc (09022015). Collection method: clinical testing. Allele origin: germline.
Comment: In summary, the available evidence is currently insufficient to determine the role of this variant in disease. Therefore, it has been classified as a Variant of Uncertain Significance. Algorithms developed to predict the effect of missense changes on protein structure and function are either unavailable or do not agree on the potential impact of this missense change (SIFT: "Deleterious"; PolyPhen-2: "Benign"; Align-GVGD: "Class C0"). This variant has not been reported in the literature in individuals affected with NBAS-related conditions. This variant is not present in population databases (gnomAD no frequency). This sequence change replaces methionine, which is neutral and non-polar, with leucine, which is neutral and non-polar, at codon 871 of the NBAS protein (p.Met871Leu).